The following is an entry in ClinVar:

NM_001005242.3(PKP2):c.1379-2043A>G

Gene: PKP2 (plakophilin 2; minus strand). Cytogenetic location: 12p11.21.
Variant type: single nucleotide variant.
Coding change: c.1379-2043A>G on transcript NM_001005242.3 (MANE Select); 2043 bases into the intron before coding-DNA position 1379, A replaced by G.
Molecular consequence: intron variant. On other transcripts: missense variant (1).
Genome position (GRCh38, 1-based): chr12:32,843,248, T>C on the plus strand (A>G on the coding strand, the complement: PKP2 is on the minus strand). VCF-style: chr12-32843248-T-C. GRCh37 (hg19) VCF-style: chr12-32996182-T-C.
Other names: c.1444A>G, p.Ser482Gly (NM_004572.4); short protein forms S482G.
Identifiers: ClinVar variation 464412 (VCV000464412.8), dbSNP rs1188858368, ClinGen allele CA384368675.

ClinVar aggregate classification (germline): Uncertain significance (1 of 4 stars; one submission).

Conditions:
Arrhythmogenic right ventricular dysplasia 9 (ARVD9). Also called: Arrhythmogenic Right Ventricular Dysplasia/Cardiomyopathy 9; ARRHYTHMOGENIC RIGHT VENTRICULAR DYSPLASIA, FAMILIAL, 9. Identifiers: MedGen C1836906, MONDO:0012180, OMIM 609040.

Submission:

Labcorp Genetics (formerly Invitae), Labcorp
Classification: Uncertain significance for Arrhythmogenic right ventricular dysplasia 9. Last evaluated: 2017-06-05. Review status: criteria provided, single submitter. Criteria: Invitae Variant Classification Sherloc (09022015). Collection method: clinical testing. Allele origin: germline.
Comment: This sequence change replaces serine with glycine at codon 482 of the PKP2 protein (p.Ser482Gly). The serine residue is weakly conserved and there is a small physicochemical difference between serine and glycine. This variant is not present in population databases (ExAC no frequency). In summary, this variant has uncertain impact on PKP2 function. The available evidence is currently insufficient to determine its role in disease. Therefore, it has been classified as a Variant of Uncertain Significance. Algorithms developed to predict the effect of missense changes on protein structure and function do not agree on the potential impact of this missense change (SIFT: "Not Scored"; PolyPhen-2: "Benign"; Align-GVGD: "Class C0"). This variant has not been reported in the literature in individuals with a PKP2-related disease.